The following is an entry in ClinVar:

ClinVar aggregate classification (germline): Likely benign. Review status: criteria provided, single submitter (1 of 4 stars). 2 submissions from 2 submitters: Likely benign (1). 1 of the submissions does not count toward it. Last evaluated 2025-07-01.

Conditions:
ERI1-related disorder. Also called: ERI1-related condition.

Allele frequency attached by ClinVar (database versions not stated): ExAC 0.00026; 1000 Genomes Project 0.00060; 1000 Genomes Project 30x 0.00062; ESP Exome Variant Server 0.00062; gnomAD 0.00091; TOPMed 0.00096.
gnomAD v4.1: 277 of 1,606,810 alleles (0.017%); highest among the groups gnomAD compares: African/African-American, 0.32%; 1 homozygote.

Submissions (2):

CeGaT Center for Human Genetics Tuebingen
Classification: Likely benign. Last evaluated: 2025-07-01. Review status: criteria provided, single submitter. Criteria: CeGaT Center For Human Genetics Tuebingen Variant Classification Criteria Version 2. Collection method: clinical testing. Allele origin: germline. Affected: yes. Observed: 1 variant allele.
Comment: ERI1: BP4, BP7

PreventionGenetics, part of Exact Sciences
Classification: Likely benign for ERI1-related condition. Last evaluated: 2019-11-25. Review status: no assertion criteria provided. Collection method: clinical testing. Allele origin: germline. Not counted in ClinVar's aggregate classification.
Comment: This variant is classified as likely benign based on ACMG/AMP sequence variant interpretation guidelines (Richards et al. 2015 PMID: 25741868, with internal and published modifications).

NM_153332.4(ERI1):c.555C>T (p.Phe185=)

Gene: ERI1 (exoribonuclease 1). Cytogenetic location: 8p23.1.
Variant type: single nucleotide variant.
Coding change: c.555C>T on transcript NM_153332.4 (MANE Select); coding-DNA position 555, C replaced by T.
Protein change: p.Phe185=; no amino-acid change (phenylalanine 185 retained).
Molecular consequence: synonymous variant.
Genome position (GRCh38, 1-based): chr8:9,016,378, C>T. VCF-style: chr8-9016378-C-T. GRCh37 (hg19) VCF-style: chr8-8873888-C-T.
Other names: c.321C>T, p.Phe107= (NM_001354635.2); c.210C>T, p.Phe70= (NM_001354636.2); c.555C>T, p.Phe185= (NM_001354638.2).
Identifiers: ClinVar variation 3049051 (VCV003049051.10), dbSNP rs139484248, ClinGen allele CA4619874.